The following is an entry in ClinVar:

ClinVar aggregate classification (germline): Uncertain significance (1 of 4 stars; one submission).

Conditions:
Familial adenomatous polyposis 1 (FAP1). Also called: POLYPOSIS, ADENOMATOUS INTESTINAL; FAMILIAL ADENOMATOUS POLYPOSIS 1, ATTENUATED. Identifiers: MedGen C2713442, MONDO:0021056, OMIM 175100. Disease mechanism: loss of function.

Submission:

Labcorp Genetics (formerly Invitae), Labcorp
Classification: Uncertain significance for Familial adenomatous polyposis 1. Last evaluated: 2025-11-17. Review status: criteria provided, single submitter. Criteria: Invitae Variant Classification Sherloc (09022015). Collection method: clinical testing. Allele origin: germline.
Comment: This variant occurs in a non-coding region of the APC gene. It does not change the encoded amino acid sequence of the APC protein. This variant is not present in population databases (gnomAD no frequency). This variant has not been reported in the literature in individuals affected with APC-related conditions. Experimental studies and prediction algorithms are not available or were not evaluated, and the functional significance of this variant is currently unknown. In summary, the available evidence is currently insufficient to determine the role of this variant in disease. Therefore, it has been classified as a Variant of Uncertain Significance.

NM_001127511.3(APC):c.81C>A (p.Thr27=)

Gene: APC (APC regulator of Wnt signaling pathway; plus strand). Cytogenetic location: 5q22.2.
Variant type: single nucleotide variant.
Coding change: c.81C>A on transcript NM_001127511.3; coding-DNA position 81, C replaced by A.
Protein change: p.Thr27=; no amino-acid change (threonine 27 retained).
Molecular consequence: synonymous variant. On other transcripts: 5 prime UTR variant (8), non-coding transcript variant (1), intron variant (5).
Genome position (GRCh38, 1-based): chr5:112,707,798, C>A. VCF-style: chr5-112707798-C-A. GRCh37 (hg19) VCF-style: chr5-112043495-C-A.
Other names: c.-103C>A (NM_001354895.2, NM_001407447.1, NM_001407452.1 and 3 more transcripts); c.81C>A, p.Thr27= (NM_001354897.2, NM_001354902.2, NM_001407446.1); c.-1138C>A (NM_001407470.1, NM_001407472.1); c.-19+149C>A (NM_001407448.1, NM_001407450.1, NM_001407457.1 and 1 more transcripts); c.-43+149C>A (NM_001407453.1).
Identifiers: ClinVar variation 4731392 (VCV004731392.1).